The following is an entry in ClinVar:

NM_033026.6(PCLO):c.6649A>T (p.Ile2217Leu)

Gene: PCLO (piccolo presynaptic cytomatrix protein; minus strand). Cytogenetic location: 7q21.11.
Variant type: single nucleotide variant.
Coding change: c.6649A>T on transcript NM_033026.6 (MANE Select); coding-DNA position 6649, A replaced by T.
Protein change: p.Ile2217Leu; replaces isoleucine 2217 with leucine.
Molecular consequence: missense variant.
Genome position (GRCh38, 1-based): chr7:82,954,304, T>A on the plus strand (A>T on the coding strand, the complement: PCLO is on the minus strand). VCF-style: chr7-82954304-T-A. GRCh37 (hg19) VCF-style: chr7-82583620-T-A.
Other names: c.6649A>T, p.Ile2217Leu (NM_014510.3); short protein forms I2217L.
Identifiers: ClinVar variation 1510977 (VCV001510977.5), dbSNP rs757836198, ClinGen allele CA4320430.

ClinVar aggregate classification (germline): Uncertain significance (1 of 4 stars; one submission).

Allele frequency attached by ClinVar (database versions not stated): gnomAD 0.00001; gnomAD exomes 0.00001; ExAC 0.00003; TOPMed 0.00003.
gnomAD v4.1: 8 of 1,613,438 alleles (0.0005%); highest among the groups gnomAD compares: Admixed American, 0.01%; no homozygotes.

Submission:

Labcorp Genetics (formerly Invitae), Labcorp
Classification: Uncertain significance. Last evaluated: 2022-05-27. Review status: criteria provided, single submitter. Criteria: Invitae Variant Classification Sherloc (09022015). Collection method: clinical testing. Allele origin: germline.
Comment: This sequence change replaces isoleucine, which is neutral and non-polar, with leucine, which is neutral and non-polar, at codon 2217 of the PCLO protein (p.Ile2217Leu). This variant is present in population databases (rs757836198, gnomAD 0.01%). This variant has not been reported in the literature in individuals affected with PCLO-related conditions. Algorithms developed to predict the effect of missense changes on protein structure and function output the following: SIFT: "Tolerated"; PolyPhen-2: "Not Available"; Align-GVGD: "Class C0". The leucine amino acid residue is found in multiple mammalian species, which suggests that this missense change does not adversely affect protein function. In summary, the available evidence is currently insufficient to determine the role of this variant in disease. Therefore, it has been classified as a Variant of Uncertain Significance.